The following is an entry in ClinVar:

ClinVar aggregate classification (germline): Uncertain significance. Review status: criteria provided, multiple submitters, no conflicts (2 of 4 stars). 2 submissions from 2 submitters: Uncertain significance (2). Last evaluated 2024-07-13.

Conditions:
Neuroblastoma, susceptibility to, 1. Identifiers: MedGen C2749485, MONDO:0009741, OMIM 256700.
Charcot-Marie-Tooth disease type 2A1. Also called: HEREDITARY MOTOR AND SENSORY NEUROPATHY IIA1; CHARCOT-MARIE-TOOTH DISEASE, AXONAL, TYPE 2A1; CHARCOT-MARIE-TOOTH DISEASE, AXONAL, AUTOSOMAL DOMINANT, TYPE 2A1; CHARCOT-MARIE-TOOTH DISEASE, NEURONAL, TYPE 2A1; CHARCOT-MARIE-TOOTH NEUROPATHY, TYPE 2A1. Identifiers: Orphanet 99946, MedGen C1861678, MONDO:0007308, OMIM 118210.

Allele frequency attached by ClinVar (database versions not stated): gnomAD exomes below 0.00001; ExAC 0.00001.
gnomAD v4.1: 3 of 1,613,714 alleles (0.00019%); highest among the groups gnomAD compares: Admixed American, 0.0017%; no homozygotes.

Submissions (2):

Ambry Genetics
Classification: Uncertain significance. Last evaluated: 2024-07-13. Review status: criteria provided, single submitter. Criteria: Ambry Variant Classification Scheme 2023. Collection method: clinical testing. Allele origin: germline.
Comment: The p.R1427W variant (also known as c.4279C>T), located in coding exon 39 of the KIF1B gene, results from a C to T substitution at nucleotide position 4279. The arginine at codon 1427 is replaced by tryptophan, an amino acid with dissimilar properties. This amino acid position is conserved. In addition, this alteration is predicted to be deleterious by in silico analysis. Based on the available evidence, the clinical significance of this variant remains unclear.

Fulgent Genetics
Classification: Uncertain significance for Charcot-Marie-Tooth disease type 2A1; Neuroblastoma, susceptibility to, 1. Last evaluated: 2024-01-24. Review status: criteria provided, single submitter. Criteria: ACMG Guidelines, 2015. Collection method: clinical testing. Allele origin: germline.

NM_001365951.3(KIF1B):c.4417C>T (p.Arg1473Trp)

Gene: KIF1B (kinesin family member 1B; plus strand). Cytogenetic location: 1p36.22.
Variant type: single nucleotide variant.
Coding change: c.4417C>T on transcript NM_001365951.3 (MANE Select); coding-DNA position 4417, C replaced by T.
Protein change: p.Arg1473Trp; replaces arginine 1473 with tryptophan.
Molecular consequence: missense variant.
Genome position (GRCh38, 1-based): chr1:10,365,150, C>T. VCF-style: chr1-10365150-C-T. GRCh37 (hg19) VCF-style: chr1-10425208-C-T.
Other names: c.4417C>T, p.Arg1473Trp (NM_001365952.1); c.4279C>T, p.Arg1427Trp (NM_015074.3); short protein forms R1427W, R1473W.
Identifiers: ClinVar variation 2308835 (VCV002308835.4), dbSNP rs760365164, ClinGen allele CA582078.